The following is an entry in ClinVar:

ClinVar aggregate classification (germline): Uncertain significance (1 of 4 stars; one submission).

Submission:

Labcorp Genetics (formerly Invitae), Labcorp
Classification: Uncertain significance. Last evaluated: 2025-06-12. Review status: criteria provided, single submitter. Criteria: Invitae Variant Classification Sherloc (09022015). Collection method: clinical testing. Allele origin: germline.
Comment: This sequence change replaces valine, which is neutral and non-polar, with isoleucine, which is neutral and non-polar, at codon 3834 of the ANK3 protein (p.Val3834Ile). This variant is present in population databases (rs750004682, gnomAD 0.0009%). This variant has not been reported in the literature in individuals affected with ANK3-related conditions. Invitae Evidence Modeling of protein sequence and biophysical properties (such as structural, functional, and spatial information, amino acid conservation, physicochemical variation, residue mobility, and thermodynamic stability) indicates that this missense variant is not expected to disrupt ANK3 protein function with a negative predictive value of 80%. In summary, the available evidence is currently insufficient to determine the role of this variant in disease. Therefore, it has been classified as a Variant of Uncertain Significance.

NM_020987.5(ANK3):c.11500G>A (p.Val3834Ile)

Gene: ANK3 (ankyrin 3; minus strand). Cytogenetic location: 10q21.2.
Variant type: single nucleotide variant.
Coding change: c.11500G>A on transcript NM_020987.5 (MANE Select); coding-DNA position 11500, G replaced by A.
Protein change: p.Val3834Ile; replaces valine 3834 with isoleucine.
Molecular consequence: missense variant. On other transcripts: intron variant (4).
Genome position (GRCh38, 1-based): chr10:60,069,381, C>T on the plus strand (G>A on the coding strand, the complement: ANK3 is on the minus strand). VCF-style: chr10-60069381-C-T. GRCh37 (hg19) VCF-style: chr10-61829139-C-T.
Other names: c.4388-1372G>A (NM_001204403.2); c.4409-1372G>A (NM_001204404.2); c.4406-1372G>A (NM_001320874.2); c.1808-1372G>A (NM_001149.4); short protein forms V3834I.
Identifiers: ClinVar variation 4753830 (VCV004753830.1).
Genomic context (GRCh38, chr10:60,069,381, plus strand): 5'-TTGTTTTTTGCTGTTCTCCAAGAACTTTCTGCTTATCTCTTACACAGTGTCCTTGTAGTA[C>T]CCCTGTCTTTTTTCCTGATGAGACTTTCACTGGGTTATCTTTCTCTGTGGTACAAGTGGG-3'
Protein context (NP_066267.2, residues 3824-3844): VKVSSGKKTG[Val3834Ile]LQGHCVRDKQ